The following is an entry in ClinVar:

ClinVar aggregate classification (germline): Uncertain significance (1 of 4 stars; one submission).

Conditions:
Cryopyrin associated periodic syndrome (CAPS). Identifiers: Orphanet 208650, MedGen C2316212, MONDO:0016168.

Submission:

Labcorp Genetics (formerly Invitae), Labcorp
Classification: Uncertain significance for Cryopyrin associated periodic syndrome. Last evaluated: 2023-07-24. Review status: criteria provided, single submitter. Criteria: Invitae Variant Classification Sherloc (09022015). Collection method: clinical testing. Allele origin: germline.
Comment: This sequence change replaces phenylalanine, which is neutral and non-polar, with valine, which is neutral and non-polar, at codon 410 of the NLRP3 protein (p.Phe410Val). This variant is not present in population databases (gnomAD no frequency). This variant has not been reported in the literature in individuals affected with NLRP3-related conditions. Advanced modeling of protein sequence and biophysical properties (such as structural, functional, and spatial information, amino acid conservation, physicochemical variation, residue mobility, and thermodynamic stability) performed at Invitae indicates that this missense variant is expected to disrupt NLRP3 protein function. In summary, the available evidence is currently insufficient to determine the role of this variant in disease. Therefore, it has been classified as a Variant of Uncertain Significance.

NM_001243133.2(NLRP3):c.1222T>G (p.Phe408Val)

Gene: NLRP3 (NLR family pyrin domain containing 3; plus strand). Cytogenetic location: 1q44.
Variant type: single nucleotide variant.
Coding change: c.1222T>G on transcript NM_001243133.2 (MANE Select); coding-DNA position 1222, T replaced by G.
Protein change: p.Phe408Val; replaces phenylalanine 408 with valine.
Molecular consequence: missense variant.
Genome position (GRCh38, 1-based): chr1:247,424,671, T>G. VCF-style: chr1-247424671-T-G. GRCh37 (hg19) VCF-style: chr1-247587973-T-G.
Other names: c.1222T>G, p.Phe408Val (NM_001079821.3, NM_001127461.3, NM_001127462.3 and 1 more transcripts); c.1228T>G, p.Phe410Val (NM_004895.5); short protein forms F410V, F408V.
Identifiers: ClinVar variation 2745909 (VCV002745909.3), dbSNP rs2527267426, ClinGen allele CA345556425.
Genomic context (GRCh38, chr1:247,424,671, plus strand): 5'-GCCCAAGCCAGGGCAGCCTTCAGTCTGATTCAGGAGAACGAGGTCCTCTTCACCATGTGC[T>G]TCATCCCCCTGGTCTGCTGGATCGTGTGCACTGGACTGAAACAGCAGATGGAGAGTGGCA-3'
Protein context (NP_001230062.1, residues 398-418): QENEVLFTMC[Phe408Val]IPLVCWIVCT